The following is an entry in ClinVar:

ClinVar aggregate classification (germline): Uncertain significance (1 of 4 stars; one submission).

Conditions:
Immunodeficiency 14 (IMD14A). Also called: Activated PI3K Delta Syndrome Type 1 (APDS1); p110-DELTA-ACTIVATING MUTATION CAUSING SENESCENT T CELLS, LYMPHADENOPATHY, AND IMMUNODEFICIENCY; IMMUNODEFICIENCY 14A WITH LYMPHOPROLIFERATION, AUTOSOMAL DOMINANT; ACTIVATED PI3K-DELTA SYNDROME 1. Identifiers: Orphanet 397596, Orphanet 693661, MedGen C5907821, MONDO:0014222, OMIM 615513.

Submission:

Labcorp Genetics (formerly Invitae), Labcorp
Classification: Uncertain significance for Activated PI3K-delta syndrome. Last evaluated: 2022-09-23. Review status: criteria provided, single submitter. Criteria: Invitae Variant Classification Sherloc (09022015). Collection method: clinical testing. Allele origin: germline.
Comment: In summary, the available evidence is currently insufficient to determine the role of this variant in disease. Therefore, it has been classified as a Variant of Uncertain Significance. Algorithms developed to predict the effect of sequence changes on RNA splicing suggest that this variant may disrupt the consensus splice site. This variant has not been reported in the literature in individuals affected with PIK3CD-related conditions. This variant is not present in population databases (gnomAD no frequency). This sequence change falls in intron 11 of the PIK3CD gene. It does not directly change the encoded amino acid sequence of the PIK3CD protein.

NM_005026.5(PIK3CD):c.1471-8T>G

Gene: PIK3CD (phosphatidylinositol-4,5-bisphosphate 3-kinase catalytic subunit delta; plus strand). Cytogenetic location: 1p36.22.
Variant type: single nucleotide variant.
Coding change: c.1471-8T>G on transcript NM_005026.5 (MANE Select); 8 bases into the intron before coding-DNA position 1471, T replaced by G.
Molecular consequence: intron variant.
Genome position (GRCh38, 1-based): chr1:9,720,603, T>G. VCF-style: chr1-9720603-T-G. GRCh37 (hg19) VCF-style: chr1-9780661-T-G.
Other names: c.1471-8T>G (NM_001350234.2); c.1384-8T>G (NM_001350235.1).
Identifiers: ClinVar variation 2032098 (VCV002032098.4), dbSNP rs2525022394, ClinGen allele CA338303567.